The following is an entry in ClinVar:

ClinVar aggregate classification (germline): Likely benign. Review status: criteria provided, single submitter (1 of 4 stars). 2 submissions from 2 submitters: Likely benign (1). 1 of the submissions does not count toward it. Last evaluated 2024-09-19.

Conditions:
SBF1-related disorder. Also called: SBF1-related condition.

Allele frequency attached by ClinVar (database versions not stated): gnomAD exomes 0.00003 and 0.00006; ExAC 0.00008; gnomAD 0.00033 and 0.00036; TOPMed 0.00033; 1000 Genomes Project 0.00040; 1000 Genomes Project 30x 0.00062.
gnomAD v4.1: 92 of 1,614,120 alleles (0.0057%); highest among the groups gnomAD compares: African/African-American, 0.12%; no homozygotes.

Submissions (2):

Labcorp Genetics (formerly Invitae), Labcorp
Classification: Likely benign. Last evaluated: 2024-09-19. Review status: criteria provided, single submitter. Criteria: Invitae Variant Classification Sherloc (09022015). Collection method: clinical testing. Allele origin: germline.

PreventionGenetics, part of Exact Sciences
Classification: Likely benign for SBF1-related condition. Last evaluated: 2019-07-11. Review status: no assertion criteria provided. Collection method: clinical testing. Allele origin: germline. Not counted in ClinVar's aggregate classification.
Comment: This variant is classified as likely benign based on ACMG/AMP sequence variant interpretation guidelines (Richards et al. 2015 PMID: 25741868, with internal and published modifications).

NM_002972.4(SBF1):c.4635T>G (p.Arg1545=)

Gene: SBF1 (SET binding factor 1; minus strand). Cytogenetic location: 22q13.33.
Variant type: single nucleotide variant.
Coding change: c.4635T>G on transcript NM_002972.4 (MANE Select); coding-DNA position 4635, T replaced by G.
Protein change: p.Arg1545=; no amino-acid change (arginine 1545 retained).
Molecular consequence: synonymous variant.
Genome position (GRCh38, 1-based): chr22:50,455,062, A>C on the plus strand (T>G on the coding strand, the complement: SBF1 is on the minus strand). VCF-style: chr22-50455062-A-C. GRCh37 (hg19) VCF-style: chr22-50893491-A-C.
Other names: c.4635T>G (NM_002972.3); c.4560T>G, p.Arg1520= (NM_001365819.1).
Identifiers: ClinVar variation 1665267 (VCV001665267.10), dbSNP rs569246879, ClinGen allele CA10316184.